The following is an entry in ClinVar:

ClinVar aggregate classification (germline): Uncertain significance (1 of 4 stars; one submission).

Submission:

Labcorp Genetics (formerly Invitae), Labcorp
Classification: Uncertain significance. Last evaluated: 2023-03-29. Review status: criteria provided, single submitter. Criteria: Invitae Variant Classification Sherloc (09022015). Collection method: clinical testing. Allele origin: germline.
Comment: This sequence change replaces proline, which is neutral and non-polar, with serine, which is neutral and polar, at codon 1510 of the TRRAP protein (p.Pro1510Ser). This variant is not present in population databases (gnomAD no frequency). In summary, the available evidence is currently insufficient to determine the role of this variant in disease. Therefore, it has been classified as a Variant of Uncertain Significance. Advanced modeling of protein sequence and biophysical properties (such as structural, functional, and spatial information, amino acid conservation, physicochemical variation, residue mobility, and thermodynamic stability) performed at Invitae indicates that this missense variant is not expected to disrupt TRRAP protein function. This variant has not been reported in the literature in individuals affected with TRRAP-related conditions.

NM_001375524.1(TRRAP):c.4603C>T (p.Pro1535Ser)

Gene: TRRAP (transformation/transcription domain associated protein; plus strand). Cytogenetic location: 7q22.1.
Variant type: single nucleotide variant.
Coding change: c.4603C>T on transcript NM_001375524.1 (MANE Select); coding-DNA position 4603, C replaced by T.
Protein change: p.Pro1535Ser; replaces proline 1535 with serine.
Molecular consequence: missense variant.
Genome position (GRCh38, 1-based): chr7:98,948,275, C>T. VCF-style: chr7-98948275-C-T. GRCh37 (hg19) VCF-style: chr7-98545898-C-T.
Other names: c.4582C>T, p.Pro1528Ser (NM_001244580.2); c.4528C>T, p.Pro1510Ser (NM_003496.4); short protein forms P1528S, P1510S, P1535S.
Identifiers: ClinVar variation 2801288 (VCV002801288.3), dbSNP rs2484846087, ClinGen allele CA368311710.